The following is an entry in ClinVar:

ClinVar aggregate classification (germline): Uncertain significance. Review status: criteria provided, multiple submitters, no conflicts (2 of 4 stars). 2 submissions from 2 submitters: Uncertain significance (2). Last evaluated 2025-05-14.

Allele frequency attached by ClinVar (database versions not stated): gnomAD exomes below 0.00001; ExAC 0.00001; gnomAD 0.00003; TOPMed 0.00003.
gnomAD v4.1: 6 of 1,613,802 alleles (0.00037%); highest among the groups gnomAD compares: African/African-American, 0.008%; no homozygotes.

Submissions (2):

Ambry Genetics
Classification: Uncertain significance. Last evaluated: 2025-05-14. Review status: criteria provided, single submitter. Criteria: Ambry Variant Classification Scheme 2023. Collection method: clinical testing. Allele origin: germline.

Labcorp Genetics (formerly Invitae), Labcorp
Classification: Uncertain significance. Last evaluated: 2024-02-02. Review status: criteria provided, single submitter. Criteria: Invitae Variant Classification Sherloc (09022015). Collection method: clinical testing. Allele origin: germline.
Comment: This sequence change replaces leucine, which is neutral and non-polar, with glutamine, which is neutral and polar, at codon 223 of the CDC6 protein (p.Leu223Gln). This variant is present in population databases (rs764309883, gnomAD 0.01%). This variant has not been reported in the literature in individuals affected with CDC6-related conditions. An algorithm developed to predict the effect of missense changes on protein structure and function (PolyPhen-2) suggests that this variant is likely to be disruptive. In summary, the available evidence is currently insufficient to determine the role of this variant in disease. Therefore, it has been classified as a Variant of Uncertain Significance.

NM_001254.4(CDC6):c.668T>A (p.Leu223Gln)

Gene: CDC6 (cell division cycle 6; plus strand). Cytogenetic location: 17q21.2.
Variant type: single nucleotide variant.
Coding change: c.668T>A on transcript NM_001254.4 (MANE Select); coding-DNA position 668, T replaced by A.
Protein change: p.Leu223Gln; replaces leucine 223 with glutamine.
Molecular consequence: missense variant.
Genome position (GRCh38, 1-based): chr17:40,293,463, T>A. VCF-style: chr17-40293463-T-A. GRCh37 (hg19) VCF-style: chr17-38449715-T-A.
Other names: c.668T>A (NM_001254.3); short protein forms L223Q.
Identifiers: ClinVar variation 2960023 (VCV002960023.4), dbSNP rs764309883, ClinGen allele CA8541943.